The following is an entry in ClinVar:

NM_000052.7(ATP7A):c.1683A>C (p.Glu561Asp)

Gene: ATP7A (ATPase copper transporting alpha; plus strand). Cytogenetic location: Xq21.1.
Variant type: single nucleotide variant.
Coding change: c.1683A>C on transcript NM_000052.7 (MANE Select); coding-DNA position 1683, A replaced by C.
Protein change: p.Glu561Asp; replaces glutamic acid 561 with aspartic acid.
Molecular consequence: missense variant.
Genome position (GRCh38, 1-based): chrX:78,003,212, A>C. VCF-style: chrX-78003212-A-C. GRCh37 (hg19) VCF-style: chrX-77258709-A-C.
Other names: c.1683A>C, p.Glu561Asp (NM_001282224.2); short protein forms E561D.
Identifiers: ClinVar variation 2936213 (VCV002936213.3), dbSNP rs2077752277, ClinGen allele CA413595473.

ClinVar aggregate classification (germline): Uncertain significance (1 of 4 stars; one submission).

Conditions:
Menkes kinky-hair syndrome (MNK). Also called: Copper transport disease; Menkes Disease; Classic Menkes Disease. Identifiers: Orphanet 565, MedGen C0022716, MONDO:0010651, OMIM 309400.
Cutis laxa, X-linked (OHS). Also called: EDS IX; Occipital horn syndrome. Identifiers: Orphanet 198, MedGen C0268353, MONDO:0010572, OMIM 304150.
X-linked distal spinal muscular atrophy type 3. Also called: ATP7A-Related Distal Motor Neuropathy; SPINAL MUSCULAR ATROPHY, DISTAL, X-LINKED RECESSIVE; NEURONOPATHY, DISTAL HEREDITARY MOTOR, X-LINKED; NEUROPATHY, DISTAL HEREDITARY MOTOR, X-LINKED. Identifiers: Orphanet 139557, MedGen C1845359, MONDO:0010338, OMIM 300489.

Allele frequency attached by ClinVar (database versions not stated): gnomAD 0.00001.
gnomAD v4.1: 1 of 1,208,676 alleles (0.000083%); highest among the groups gnomAD compares: African/African-American, 0.0018%; no homozygotes.

Submission:

Labcorp Genetics (formerly Invitae), Labcorp
Classification: Uncertain significance for X-linked distal spinal muscular atrophy type 3; Cutis laxa, X-linked; Menkes kinky-hair syndrome. Last evaluated: 2022-11-01. Review status: criteria provided, single submitter. Criteria: Invitae Variant Classification Sherloc (09022015). Collection method: clinical testing. Allele origin: germline.
Comment: In summary, the available evidence is currently insufficient to determine the role of this variant in disease. Therefore, it has been classified as a Variant of Uncertain Significance. Advanced modeling of protein sequence and biophysical properties (such as structural, functional, and spatial information, amino acid conservation, physicochemical variation, residue mobility, and thermodynamic stability) performed at Invitae indicates that this missense variant is not expected to disrupt ATP7A protein function. This variant has not been reported in the literature in individuals affected with ATP7A-related conditions. This variant is not present in population databases (gnomAD no frequency). This sequence change replaces glutamic acid, which is acidic and polar, with aspartic acid, which is acidic and polar, at codon 561 of the ATP7A protein (p.Glu561Asp).